The following is an entry in ClinVar:

NM_004655.4(AXIN2):c.1060-1G>A

Gene: AXIN2 (axin 2; minus strand). Cytogenetic location: 17q24.1.
Variant type: single nucleotide variant.
Coding change: c.1060-1G>A on transcript NM_004655.4 (MANE Select); the canonical splice acceptor site of the intron before coding-DNA position 1060, G replaced by A.
Molecular consequence: splice acceptor variant.
Genome position (GRCh38, 1-based): chr17:65,538,344, C>T on the plus strand (G>A on the coding strand, the complement: AXIN2 is on the minus strand). VCF-style: chr17-65538344-C-T. GRCh37 (hg19) VCF-style: chr17-63534462-C-T.
Other names: c.1060-1G>A (NM_001363813.1).
Identifiers: ClinVar variation 3652608 (VCV003652608.2).

ClinVar aggregate classification (germline): Likely pathogenic (1 of 4 stars; one submission).

Conditions:
Oligodontia-cancer predisposition syndrome. Also called: TOOTH AGENESIS-COLORECTAL CANCER SYNDROME. Identifiers: Orphanet 300576, MedGen C1837750, MONDO:0012075, OMIM 608615. Disease mechanism: loss of function.

Submission:

Labcorp Genetics (formerly Invitae), Labcorp
Classification: Likely pathogenic for Oligodontia-cancer predisposition syndrome. Last evaluated: 2024-05-08. Review status: criteria provided, single submitter. Criteria: Invitae Variant Classification Sherloc (09022015). Collection method: clinical testing. Allele origin: germline.
Comment: This sequence change affects an acceptor splice site in intron 4 of the AXIN2 gene. It is expected to disrupt RNA splicing. Variants that disrupt the donor or acceptor splice site typically lead to a loss of protein function (PMID: 16199547), and loss-of-function variants in AXIN2 are known to be pathogenic (PMID: 15042511, 21416598). This variant is not present in population databases (gnomAD no frequency). This variant has not been reported in the literature in individuals affected with AXIN2-related conditions. Algorithms developed to predict the effect of sequence changes on RNA splicing suggest that this variant may disrupt the consensus splice site. In summary, the currently available evidence indicates that the variant is pathogenic, but additional data are needed to prove that conclusively. Therefore, this variant has been classified as Likely Pathogenic.

Literature cited by the submitters: PubMed 16199547; PubMed 15042511; PubMed 21416598.